The following is an entry in ClinVar:

ClinVar aggregate classification (germline): Uncertain significance (1 of 4 stars; one submission).

Conditions:
Cardiovascular phenotype. Identifiers: MedGen CN230736.

gnomAD v4.1: 1 of 1,614,026 alleles (0.000062%); highest among the groups gnomAD compares: Non-Finnish European, 0.000085%; no homozygotes.

Submission:

Ambry Genetics
Classification: Uncertain significance for Cardiovascular phenotype. Last evaluated: 2025-05-15. Review status: criteria provided, single submitter. Criteria: Ambry Variant Classification Scheme 2023. Collection method: clinical testing. Allele origin: germline.
Comment: The p.N595K variant (also known as c.1785C>G), located in coding exon 10 of the LDB3 gene, results from a C to G substitution at nucleotide position 1785. The asparagine at codon 595 is replaced by lysine, an amino acid with similar properties. This amino acid position is conserved. In addition, this alteration is predicted to be tolerated by in silico analysis. Based on the available evidence, the clinical significance of this variant remains unclear.

NM_007078.3(LDB3):c.1785C>G (p.Asn595Lys)

Gene: LDB3 (LIM domain binding 3; plus strand). Cytogenetic location: 10q23.2.
Variant type: single nucleotide variant.
Coding change: c.1785C>G on transcript NM_007078.3 (MANE Select); coding-DNA position 1785, C replaced by G.
Protein change: p.Asn595Lys; replaces asparagine 595 with lysine.
Molecular consequence: missense variant.
Genome position (GRCh38, 1-based): chr10:86,718,072, C>G. VCF-style: chr10-86718072-C-G. GRCh37 (hg19) VCF-style: chr10-88477829-C-G.
Other names: c.1455C>G, p.Asn485Lys (NM_001080114.2); c.1800C>G, p.Asn600Lys (NM_001171610.2); c.1596C>G, p.Asn532Lys (NM_001368064.1, NM_001368065.1); c.1644C>G, p.Asn548Lys (NM_001368066.1); short protein forms N548K, N532K, N595K, N600K, N485K.
Identifiers: ClinVar variation 4046681 (VCV004046681.1).
Genomic context (GRCh38, chr10:86,718,072, plus strand): 5'-CACCTGTGCCTACTGCAAGACTTCCCTGGCAGATGTGTGCTTTGTGGAAGAGCAGAACAA[C>G]GTTTACTGTGAGCGATGTTATGAGCAATTCTTTGCCCCGCTGTGTGCCAAGTGCAACACC-3'
Protein context (NP_009009.1, residues 585-605): ADVCFVEEQN[Asn595Lys]VYCERCYEQF